The following is an entry in ClinVar:

ClinVar aggregate classification (germline): Benign. Review status: criteria provided, multiple submitters, no conflicts (2 of 4 stars). 6 submissions from 6 submitters: Benign (4). 2 of the submissions do not count toward it. Last evaluated 2024-11-26.

Conditions:
Glomuvenous malformation. Also called: GLOMANGIOMAS, MULTIPLE; GLOMUS TUMORS, MULTIPLE; VENOUS MALFORMATIONS WITH GLOMUS CELLS; Familial glomangioma. Identifiers: Orphanet 83454, MedGen C1841984, MONDO:0007672, OMIM 138000.

Submissions (6):

Blueprint Genetics
Classification: Benign. Last evaluated: 2024-11-26. Review status: criteria provided, single submitter. Criteria: ACMG Guidelines, 2015. Collection method: clinical testing. Allele origin: germline.

ARUP Laboratories, Molecular Genetics and Genomics, ARUP Laboratories
Classification: Benign for Glomuvenous malformation. Last evaluated: 2023-11-29. Review status: criteria provided, single submitter. Criteria: ARUP Molecular Germline Variant Investigation Process 2024. Collection method: clinical testing. Allele origin: germline.

Mayo Clinic Laboratories, Mayo Clinic
Classification: Benign. Last evaluated: 2023-01-13. Review status: criteria provided, single submitter. Criteria: ACMG Guidelines, 2015. Collection method: clinical testing. Allele origin: germline. Observed: 164 variant alleles.
Comment: BA1

GeneDx
Classification: Benign. Last evaluated: 2021-05-04. Review status: criteria provided, single submitter. Criteria: GeneDx Variant Classification Process June 2021. Collection method: clinical testing. Allele origin: germline. Affected: yes.

Clinical Genetics, Academic Medical Center
Classification: Benign. Review status: no assertion criteria provided. Collection method: clinical testing. Allele origin: germline. Affected: yes. Study: VKGL Data-share Consensus. Not counted in ClinVar's aggregate classification.

Laboratory of Diagnostic Genome Analysis, Leiden University Medical Center (LUMC)
Classification: Likely benign. Review status: no assertion criteria provided. Collection method: clinical testing. Allele origin: germline. Affected: yes. Study: VKGL Data-share Consensus. Not counted in ClinVar's aggregate classification.

NM_053274.3(GLMN):c.40-6del

Gene: GLMN (glomulin, FKBP associated protein; minus strand). Cytogenetic location: 1p22.1.
Variant type: Deletion.
Coding change: c.40-6del on transcript NM_053274.3 (MANE Select); 6 bases into the intron before coding-DNA position 40, one base deleted (T; older notation c.40-6delT).
Molecular consequence: intron variant.
Genome position (GRCh38, 1-based): chr1:92,297,535, A deleted on the plus strand (T on the coding strand, the reverse complement: GLMN is on the minus strand); the first of 14 consecutive A bases (chr1:92,297,535-92,297,548); deleting any one gives the same sequence. VCF-style (leftmost placement, unchanged base first): chr1-92297534-CA-C. GRCh37 (hg19) VCF-style: chr1-92763091-CA-C.
Other names: p.?; c.40-6del (NM_001319683.2).
Identifiers: ClinVar variation 811575 (VCV000811575.18), dbSNP rs372630078, ClinGen allele CA950689.
Genomic context (GRCh38, chr1:92,297,534, plus strand): 5'-GCTAACTGAAATAGGCCAAAATCCTCTTCTTTAAAGTCTTGCTCTTCTAGGATTTGCTGG[CA>C]AAAAAAAAAAAAACCCAAAAAACAAACAAAAAAAAGTATATGCAAATAAAAATTAAATAC-3'